The following is an entry in ClinVar:

ClinVar aggregate classification (germline): Uncertain significance (1 of 4 stars; one submission).

Conditions:
Inborn genetic diseases. Identifiers: MedGen C0950123, MeSH D030342.

gnomAD v4.1: 1 of 1,614,100 alleles (0.000062%); highest among the groups gnomAD compares: Non-Finnish European, 0.000085%; no homozygotes.

Submission:

Ambry Genetics
Classification: Uncertain significance for Inborn genetic diseases. Last evaluated: 2025-12-15. Review status: criteria provided, single submitter. Criteria: Ambry Variant Classification Scheme 2023. Collection method: clinical testing. Allele origin: germline.
Comment: The p.Q1148R variant (also known as c.3443A>G), located in coding exon 24 of the ANKRD26 gene, results from an A to G substitution at nucleotide position 3443. The glutamine at codon 1148 is replaced by arginine, an amino acid with highly similar properties. This amino acid position is conserved. In addition, this alteration is predicted to be tolerated by in silico analysis. Based on the available evidence, the clinical significance of this variant remains unclear.

NM_014915.3(ANKRD26):c.3443A>G (p.Gln1148Arg)

Gene: ANKRD26 (ankyrin repeat domain 26; minus strand). Cytogenetic location: 10p12.1.
Variant type: single nucleotide variant.
Coding change: c.3443A>G on transcript NM_014915.3 (MANE Select); coding-DNA position 3443, A replaced by G.
Protein change: p.Gln1148Arg; replaces glutamine 1148 with arginine.
Molecular consequence: missense variant.
Genome position (GRCh38, 1-based): chr10:27,035,007, T>C on the plus strand (A>G on the coding strand, the complement: ANKRD26 is on the minus strand). VCF-style: chr10-27035007-T-C. GRCh37 (hg19) VCF-style: chr10-27323936-T-C.
Other names: c.3440A>G, p.Gln1147Arg (NM_001256053.2); short protein forms Q1148R, Q1147R.
Identifiers: ClinVar variation 4842328 (VCV004842328.1).